The following is an entry in ClinVar:

NM_003482.4(KMT2D):c.3572C>G (p.Pro1191Arg)

Genes: KMT2D (lysine methyltransferase 2D; minus strand), LOC126861520 (CDK7 strongly-dependent group 2 enhancer GRCh37_chr12:49442744-49443943; plus strand). Cytogenetic location: 12q13.12.
Variant type: single nucleotide variant.
Coding change: c.3572C>G on transcript NM_003482.4 (MANE Select); coding-DNA position 3572, C replaced by G.
Protein change: p.Pro1191Arg; replaces proline 1191 with arginine.
Molecular consequence: missense variant.
Genome position (GRCh38, 1-based): chr12:49,050,016, G>C on the plus strand (C>G on the coding strand, the complement: KMT2D is on the minus strand). VCF-style: chr12-49050016-G-C. GRCh37 (hg19) VCF-style: chr12-49443799-G-C.
Other names: short protein forms P1191R.
Identifiers: ClinVar variation 2820209 (VCV002820209.3), dbSNP rs112236653, ClinGen allele CA384656387.

ClinVar aggregate classification (germline): Uncertain significance (1 of 4 stars; one submission).

Conditions:
Kabuki syndrome. Also called: Kabuki make-up syndrome; NIIKAWA-KUROKI SYNDROME. Identifiers: Orphanet 2322, MedGen C0796004, MONDO:0016512.

Submission:

Labcorp Genetics (formerly Invitae), Labcorp
Classification: Uncertain significance for Kabuki syndrome. Last evaluated: 2024-05-22. Review status: criteria provided, single submitter. Criteria: Invitae Variant Classification Sherloc (09022015). Collection method: clinical testing. Allele origin: germline.
Comment: This sequence change replaces proline, which is neutral and non-polar, with arginine, which is basic and polar, at codon 1191 of the KMT2D protein (p.Pro1191Arg). This variant is not present in population databases (gnomAD no frequency). This variant has not been reported in the literature in individuals affected with KMT2D-related conditions. Advanced modeling of protein sequence and biophysical properties (such as structural, functional, and spatial information, amino acid conservation, physicochemical variation, residue mobility, and thermodynamic stability) performed at Invitae indicates that this missense variant is not expected to disrupt KMT2D protein function with a negative predictive value of 95%. In summary, the available evidence is currently insufficient to determine the role of this variant in disease. Therefore, it has been classified as a Variant of Uncertain Significance.